The following is an entry in ClinVar:

NM_006035.4(CDC42BPB):c.3003_3026dup (p.Pro1009_Leu1010insProGlnArgProSerAlaValPro)

Gene: CDC42BPB (CDC42 binding protein kinase beta; minus strand). Cytogenetic location: 14q32.32.
Variant type: Duplication.
Coding change: c.3003_3026dup on transcript NM_006035.4 (MANE Select); coding-DNA positions 3003 to 3026, 24 bases duplicated (CCCGCAGAGGCCATCCGCTGTGCC).
Protein change: p.Pro1009_Leu1010insProGlnArgProSerAlaValPro.
Molecular consequence: inframe insertion.
Genome position (GRCh38, 1-based): chr14:102,954,238-102,954,261, GGCACAGCGGATGGCCTCTGCGGG duplicated on the plus strand (CCCGCAGAGGCCATCCGCTGTGCC on the coding strand, the reverse complement: CDC42BPB is on the minus strand); duplicating any 24 consecutive bases within chr14:102,954,238-102,954,264 gives the same sequence; the c. name uses the placement nearest the transcript's 3' end. VCF-style (leftmost placement, unchanged base first): chr14-102954237-C-CGGCACAGCGGATGGCCTCTGCGGG. GRCh37 (hg19) VCF-style: chr14-103420574-C-CGGCACAGCGGATGGCCTCTGCGGG.
Identifiers: ClinVar variation 2096731 (VCV002096731.4), dbSNP rs1566854244, ClinGen allele CA616404709.
Genomic context (GRCh38, chr14:102,954,237, plus strand): 5'-GGGTGAAAGCAAGGCCCCTACCTTCGGTCCAGCCAGAGCCAGGGCCTGCGTGGTGGGCAA[C>CGGCACAGCGGATGGCCTCTGCGGG]GGCACAGCGGATGGCCTCTGCGGGGGCCGAGCCATGTCCTGGGAGACAAGCAGGACAGGT-3'

ClinVar aggregate classification (germline): Uncertain significance (1 of 4 stars; one submission).

Submission:

Labcorp Genetics (formerly Invitae), Labcorp
Classification: Uncertain significance. Last evaluated: 2022-02-11. Review status: criteria provided, single submitter. Criteria: Invitae Variant Classification Sherloc (09022015). Collection method: clinical testing. Allele origin: germline.
Comment: This variant, c.3003_3026dup, results in the insertion of 8 amino acid(s) of the CDC42BPB protein (p.Pro1002_Pro1009dup), but otherwise preserves the integrity of the reading frame. In summary, the available evidence is currently insufficient to determine the role of this variant in disease. Therefore, it has been classified as a Variant of Uncertain Significance. Algorithms developed to predict the effect of sequence changes on RNA splicing suggest that this variant may create or strengthen a splice site. Experimental studies and prediction algorithms are not available or were not evaluated, and the functional significance of this variant is currently unknown. This variant has not been reported in the literature in individuals affected with CDC42BPB-related conditions. This variant is present in population databases (no rsID available, gnomAD 0.01%).